The following is an entry in ClinVar:

NM_001191061.2(SLC25A22):c.351G>A (p.Gln117=)

Gene: SLC25A22 (solute carrier family 25 member 22; minus strand). Cytogenetic location: 11p15.5.
Variant type: single nucleotide variant.
Coding change: c.351G>A on transcript NM_001191061.2 (MANE Select); coding-DNA position 351, G replaced by A.
Protein change: p.Gln117=; no amino-acid change (glutamine 117 retained).
Molecular consequence: synonymous variant.
Genome position (GRCh38, 1-based): chr11:792,931, C>T on the plus strand (G>A on the coding strand, the complement: SLC25A22 is on the minus strand). VCF-style: chr11-792931-C-T. GRCh37 (hg19) VCF-style: chr11-792931-C-T.
Other names: c.351G>A, p.Gln117= (NM_001191060.2, NM_024698.6).
Identifiers: ClinVar variation 389382 (VCV000389382.12), dbSNP rs377299330, ClinGen allele CA5789236.

ClinVar aggregate classification (germline): Likely benign. Review status: criteria provided, multiple submitters, no conflicts (2 of 4 stars). 2 submissions from 2 submitters: Likely benign (2). Last evaluated 2025-03-11.

Conditions:
Early-infantile DEE. Also called: Ohtahara syndrome; Early infantile epileptic encephalopathy; Early infantile epileptic encephalopathy with suppression bursts. Identifiers: Orphanet 1934, MedGen C0393706, MONDO:0800491.

Allele frequency attached by ClinVar (database versions not stated): ExAC 0.00001; gnomAD exomes 0.00001; TOPMed 0.00001.
gnomAD v4.1: 5 of 1,613,410 alleles (0.00031%); highest among the groups gnomAD compares: Middle Eastern, 0.016%; no homozygotes.

Submissions (2):

Labcorp Genetics (formerly Invitae), Labcorp
Classification: Likely benign for Early-infantile DEE. Last evaluated: 2025-03-11. Review status: criteria provided, single submitter. Criteria: Invitae Variant Classification Sherloc (09022015). Collection method: clinical testing. Allele origin: germline.

GeneDx
Classification: Likely benign. Last evaluated: 2016-11-14. Review status: criteria provided, single submitter. Criteria: GeneDx Variant Classification (06012015). Collection method: clinical testing. Allele origin: germline. Affected: yes.
Comment: This variant is considered likely benign or benign based on one or more of the following criteria: it is a conservative change, it occurs at a poorly conserved position in the protein, it is predicted to be benign by multiple in silico algorithms, and/or has population frequency not consistent with disease.